The following is an entry in ClinVar:

NC_000002.11:g.(?_227898106)_(227898217_?)del

Gene: COL4A4 (collagen type IV alpha 4 chain; minus strand). Cytogenetic location: 2q36.3.
Variant type: Deletion.
Identifiers: ClinVar variation 3247445 (VCV003247445.1).

ClinVar aggregate classification (germline): Pathogenic (1 of 4 stars; one submission).

Submission:

Labcorp Genetics (formerly Invitae), Labcorp
Classification: Pathogenic. Last evaluated: 2023-09-01. Review status: criteria provided, single submitter. Criteria: Invitae Variant Classification Sherloc (09022015). Collection method: clinical testing. Allele origin: unknown.
Comment: This variant is a gross deletion of the genomic region encompassing exon(s) 38 of the COL4A4 gene. This variant would be expected to be in-frame, preserving the integrity of the reading frame. A similar copy number variant has been observed in individual(s) with hematuria (Invitae). In at least one individual the variant was observed to be de novo. This variant disrupts a region of the COL4A4 protein in which other variant(s) (p.Gly1187Arg) have been observed in individuals with COL4A4-related conditions (PMID: 33532864, 33838161). This suggests that this is a clinically significant region of the protein, and that variants that disrupt it are likely to be disease-causing. For these reasons, this variant has been classified as Pathogenic.

Literature cited by the submitters: PubMed 33532864; PubMed 33838161.